The following is an entry in ClinVar:

ClinVar aggregate classification (germline): Pathogenic (1 of 4 stars; one submission).

Conditions:
Primary ciliary dyskinesia. Also called: Ciliary dyskinesia. Identifiers: Orphanet 244, MedGen C0008780, MONDO:0016575, HP:0012265.

gnomAD v4.1: 1 of 1,595,238 alleles (0.000063%); highest among the groups gnomAD compares: Non-Finnish European, 0.000085%; no homozygotes.

Submission:

Labcorp Genetics (formerly Invitae), Labcorp
Classification: Pathogenic for Primary ciliary dyskinesia. Last evaluated: 2025-12-18. Review status: criteria provided, single submitter. Criteria: Invitae Variant Classification Sherloc (09022015). Collection method: clinical testing. Allele origin: germline.
Comment: This sequence change creates a premature translational stop signal (p.Ser2108*) in the DNAH8 gene. It is expected to result in an absent or disrupted protein product. Loss-of-function variants in DNAH8 are known to be pathogenic (PMID: 24307375, 32619401, 32681648). This variant is present in population databases (no rsID available, gnomAD 0.0009%). This variant has not been reported in the literature in individuals affected with DNAH8-related conditions. Algorithms developed to predict the effect of sequence changes on RNA splicing suggest that this variant may disrupt the consensus splice site. For these reasons, this variant has been classified as Pathogenic.

Literature cited by the submitters: PubMed 24307375; PubMed 32619401; PubMed 32681648.

NM_001206927.2(DNAH8):c.6323C>A (p.Ser2108Ter)

Gene: DNAH8 (dynein axonemal heavy chain 8; plus strand). Cytogenetic location: 6p21.2.
Variant type: single nucleotide variant.
Coding change: c.6323C>A on transcript NM_001206927.2 (MANE Select); coding-DNA position 6323, C replaced by A.
Protein change: p.Ser2108Ter; replaces serine 2108 with a stop codon.
Molecular consequence: nonsense.
Genome position (GRCh38, 1-based): chr6:38,863,885, C>A. VCF-style: chr6-38863885-C-A. GRCh37 (hg19) VCF-style: chr6-38831661-C-A.
Other names: c.5672C>A, p.Ser1891Ter (NM_001371.4); short protein forms S1891*, S2108*.
Identifiers: ClinVar variation 4733574 (VCV004733574.1).
Genomic context (GRCh38, chr6:38,863,885, plus strand): 5'-GGTATATTATAGAGTAAAACTTTACAAATTAACTGTTTTTCATGCCAGGTCTTGCACAGT[C>A]GGGTTCCTGGGGCTGTTTTGATGAGTTTAACAGAATTGAATTGCCTGTATTATCAGTGGC-3'